The following is an entry in ClinVar:

ClinVar aggregate classification (germline): Uncertain significance. Review status: criteria provided, multiple submitters, no conflicts (2 of 4 stars). 4 submissions from 4 submitters: Uncertain significance (3). 1 of the submissions does not count toward it. Last evaluated 2025-10-08.

Conditions:
Congenital neutropenia-myelofibrosis-nephromegaly syndrome. Also called: Severe congenital neutropenia 5, autosomal recessive. Identifiers: Orphanet 369852, MedGen C3809031, MONDO:0014118, OMIM 615285.
Inborn genetic diseases. Identifiers: MedGen C0950123, MeSH D030342.

Allele frequency attached by ClinVar (database versions not stated): gnomAD 0.00001 and 0.00003; gnomAD exomes 0.00001 and 0.00002; ExAC 0.00004; 1000 Genomes Project 30x 0.00047; 1000 Genomes Project 0.00060.
gnomAD v4.1: 17 of 1,611,720 alleles (0.0011%); highest among the groups gnomAD compares: Admixed American, 0.027%; no homozygotes.

Submissions (4):

Ambry Genetics
Classification: Uncertain significance for Inborn genetic diseases. Last evaluated: 2025-10-08. Review status: criteria provided, single submitter. Criteria: Ambry Variant Classification Scheme 2023. Collection method: clinical testing. Allele origin: germline.

Labcorp Genetics (formerly Invitae), Labcorp
Classification: Uncertain significance for Congenital neutropenia-myelofibrosis-nephromegaly syndrome. Last evaluated: 2024-11-05. Review status: criteria provided, single submitter. Criteria: Invitae Variant Classification Sherloc (09022015). Collection method: clinical testing. Allele origin: germline.
Comment: This sequence change replaces valine, which is neutral and non-polar, with methionine, which is neutral and non-polar, at codon 194 of the VPS45 protein (p.Val194Met). This variant is present in population databases (rs587713385, gnomAD 0.02%). This variant has not been reported in the literature in individuals affected with VPS45-related conditions. ClinVar contains an entry for this variant (Variation ID: 970136). Invitae Evidence Modeling of protein sequence and biophysical properties (such as structural, functional, and spatial information, amino acid conservation, physicochemical variation, residue mobility, and thermodynamic stability) indicates that this missense variant is not expected to disrupt VPS45 protein function with a negative predictive value of 80%. In summary, the available evidence is currently insufficient to determine the role of this variant in disease. Therefore, it has been classified as a Variant of Uncertain Significance.

Blueprint Genetics
Classification: Uncertain significance. Last evaluated: 2020-07-30. Review status: criteria provided, single submitter. Criteria: ACMG Guidelines, 2015. Collection method: clinical testing. Allele origin: germline.

Natera, Inc.
Classification: Uncertain significance for Autosomal recessive severe congenital neutropenia 5. Last evaluated: 2020-11-20. Review status: no assertion criteria provided. Collection method: clinical testing. Allele origin: germline. Not counted in ClinVar's aggregate classification.

NM_007259.5(VPS45):c.580G>A (p.Val194Met)

Gene: VPS45 (vacuolar protein sorting 45 homolog; plus strand). Cytogenetic location: 1q21.2.
Variant type: single nucleotide variant.
Coding change: c.580G>A on transcript NM_007259.5 (MANE Select); coding-DNA position 580, G replaced by A.
Protein change: p.Val194Met; replaces valine 194 with methionine.
Molecular consequence: missense variant. On other transcripts: non-coding transcript variant (1).
Genome position (GRCh38, 1-based): chr1:150,077,672, G>A. VCF-style: chr1-150077672-G-A. GRCh37 (hg19) VCF-style: chr1-150049750-G-A.
Other names: c.580G>A (NM_007259.3); c.265G>A, p.Val89Met (NM_001279353.2); c.472G>A, p.Val158Met (NM_001279354.2); short protein forms V158M, V89M, V194M.
Identifiers: ClinVar variation 970136 (VCV000970136.10), dbSNP rs587713385, ClinGen allele CA1073188.